The following is an entry in ClinVar:

ClinVar aggregate classification (germline): Conflicting classifications of pathogenicity. Review status: criteria provided, conflicting classifications (1 of 4 stars). 2 submissions from 2 submitters: Uncertain significance (1); Likely benign (1). Last evaluated 2024-10-08.

Conditions:
Alstrom syndrome (ALMS). Identifiers: Orphanet 64, MedGen C0268425, MONDO:0008763, OMIM 203800.

Allele frequency attached by ClinVar (database versions not stated): TOPMed below 0.00001; gnomAD 0.00001; gnomAD exomes 0.00001 and 0.00002.
gnomAD v4.1: 24 of 1,614,100 alleles (0.0015%); highest among the groups gnomAD compares: Middle Eastern, 0.016%; no homozygotes.

Submissions (2):

Labcorp Genetics (formerly Invitae), Labcorp
Classification: Likely benign for Alstrom syndrome. Last evaluated: 2024-10-08. Review status: criteria provided, single submitter. Criteria: Invitae Variant Classification Sherloc (09022015). Collection method: clinical testing. Allele origin: germline.

GeneDx
Classification: Uncertain significance. Last evaluated: 2023-01-31. Review status: criteria provided, single submitter. Criteria: GeneDx Variant Classification Process June 2021. Collection method: clinical testing. Allele origin: germline. Affected: yes.
Comment: Not observed at significant frequency in large population cohorts (gnomAD); In silico analysis supports that this variant does not alter splicing; Has not been previously published as pathogenic or benign to our knowledge

NM_001378454.1(ALMS1):c.8688A>G (p.Ala2896=)

Gene: ALMS1 (ALMS1 centrosome and basal body associated protein; plus strand). Cytogenetic location: 2p13.1.
Variant type: single nucleotide variant.
Coding change: c.8688A>G on transcript NM_001378454.1 (MANE Select); coding-DNA position 8688, A replaced by G.
Protein change: p.Ala2896=; no amino-acid change (alanine 2896 retained).
Molecular consequence: synonymous variant.
Genome position (GRCh38, 1-based): chr2:73,490,647, A>G. VCF-style: chr2-73490647-A-G. GRCh37 (hg19) VCF-style: chr2-73717774-A-G.
Other names: c.8691A>G, p.Ala2897= (NM_015120.4).
Identifiers: ClinVar variation 1128315 (VCV001128315.9), dbSNP rs1338132238, ClinGen allele CA427014183.